The following is an entry in ClinVar:

ClinVar aggregate classification (germline): Pathogenic/Likely pathogenic. Review status: criteria provided, multiple submitters, no conflicts (2 of 4 stars). 2 submissions from 2 submitters: Pathogenic (1); Likely pathogenic (1). Last evaluated 2024-10-01.

Conditions:
GABRG2-related disorder. Also called: GABRG2-related condition.
EPILEPSY, CHILDHOOD ABSENCE, SUSCEPTIBILITY TO, 2 (ECA2). Identifiers: Orphanet 64280, MedGen C1843244, OMIM 607681.
Febrile seizures, familial, 8 (FEB8). Also called: CONVULSIONS, FAMILIAL FEBRILE, 8. Identifiers: Orphanet 36387, MedGen C1969810, MONDO:0011891, OMIM 607681.

Submissions (2):

Blueprint Genetics
Classification: Likely pathogenic for GABRG2-related disorders. Last evaluated: 2024-10-01. Review status: criteria provided, single submitter. Criteria: ACMG Guidelines, 2015. Collection method: clinical testing. Allele origin: germline. Affected: yes. Observed: 1 variant allele.

Labcorp Genetics (formerly Invitae), Labcorp
Classification: Pathogenic for Febrile seizures, familial, 8; EPILEPSY, CHILDHOOD ABSENCE, SUSCEPTIBILITY TO, 2. Last evaluated: 2023-07-15. Review status: criteria provided, single submitter. Criteria: Invitae Variant Classification Sherloc (09022015). Collection method: clinical testing. Allele origin: germline.
Comment: For these reasons, this variant has been classified as Pathogenic. Algorithms developed to predict the effect of sequence changes on RNA splicing suggest that this variant may create or strengthen a splice site. ClinVar contains an entry for this variant (Variation ID: 2027142). This variant has not been reported in the literature in individuals affected with GABRG2-related conditions. This variant is not present in population databases (gnomAD no frequency). This sequence change creates a premature translational stop signal (p.Trp121*) in the GABRG2 gene. It is expected to result in an absent or disrupted protein product. Loss-of-function variants in GABRG2 are known to be pathogenic (PMID: 22539854, 22750526, 24407264).

Literature cited by the submitters: PubMed 22539854 (cited by Labcorp Genetics (formerly Invitae), Labcorp); PubMed 22750526 (cited by Labcorp Genetics (formerly Invitae), Labcorp); PubMed 24407264 (cited by Labcorp Genetics (formerly Invitae), Labcorp).

NM_198904.4(GABRG2):c.363G>A (p.Trp121Ter)

Gene: GABRG2 (gamma-aminobutyric acid type A receptor subunit gamma2; plus strand). Cytogenetic location: 5q34.
Variant type: single nucleotide variant.
Coding change: c.363G>A on transcript NM_198904.4 (MANE Select); coding-DNA position 363, G replaced by A.
Protein change: p.Trp121Ter; replaces tryptophan 121 with a stop codon.
Molecular consequence: nonsense. On other transcripts: intron variant (2).
Genome position (GRCh38, 1-based): chr5:162,097,673, G>A. VCF-style: chr5-162097673-G-A. GRCh37 (hg19) VCF-style: chr5-161524679-G-A.
Other names: c.363G>A, p.Trp121Ter (NM_000816.3, NM_001375340.1, NM_001375341.1 and 4 more transcripts); c.354G>A, p.Trp118Ter (NM_001375339.1); c.297G>A, p.Trp99Ter (NM_001375345.1, NM_001375346.1); c.276G>A, p.Trp92Ter (NM_001375347.1); c.78G>A, p.Trp26Ter (NM_001375349.1); c.-31-27G>A (NM_001375350.1, NM_001375348.1); short protein forms W118*, W121*, W92*, W99*, W26*.
Identifiers: ClinVar variation 2027142 (VCV002027142.5), dbSNP rs2532568679, ClinGen allele CA362183808.